The following is an entry in ClinVar:

ClinVar aggregate classification (germline): Likely pathogenic (0 of 4 stars; one submission).

Conditions:
CFAP418-related disorder. Also called: CFAP418-related condition.

Submission:

PreventionGenetics, part of Exact Sciences
Classification: Likely pathogenic for CFAP418-related condition. Last evaluated: 2024-07-10. Review status: no assertion criteria provided. Collection method: clinical testing. Allele origin: germline.
Comment: The CFAP418 c.172_173delinsC variant is predicted to result in a frameshift and premature protein termination (p.Lys58Glnfs*26). To our knowledge, this variant has not been reported in the literature or in a large population database, indicating this variant is rare. Frameshift variants in CFAP418 are expected to be pathogenic. This variant is interpreted as likely pathogenic.

NM_177965.4(CFAP418):c.172_173delinsC (p.Lys58fs)

Gene: CFAP418 (cilia and flagella associated protein 418; minus strand). Cytogenetic location: 8q22.1.
Variant type: Indel.
Coding change: c.172_173delinsC on transcript NM_177965.4 (MANE Select); coding-DNA positions 172 to 173, AA replaced by C.
Protein change: p.Lys58fs; shifts the reading frame from lysine 58.
Molecular consequence: frameshift variant.
Genome position (GRCh38, 1-based): chr8:95,263,757-95,263,758, TT replaced by G on the plus strand (AA replaced by C on the coding strand, the reverse complement: CFAP418 is on the minus strand). VCF-style: chr8-95263757-TT-G. GRCh37 (hg19) VCF-style: chr8-96275985-TT-G.
Other names: c.172_173delinsC, p.Lys58fs (NM_001363260.1); short protein forms K58fs.
Identifiers: ClinVar variation 3345409 (VCV003345409.1).
Genomic context (GRCh38, chr8:95,263,757, plus strand): 5'-TTGTCCAAGTTGGGCTCTTCAAGTATTTCATTAATAAGACTGTCAAGATCATCTTCTTTT[TT>G]AAATGTTTCTGTTGATCTGAAAAGAAGACATACACAAAGAAAACTTACCTGAGGTTTATG-3'